The following is an entry in ClinVar:

NM_013275.6(ANKRD11):c.4619A>G (p.Lys1540Arg)

Gene: ANKRD11 (ankyrin repeat domain 11; minus strand). Cytogenetic location: 16q24.3.
Variant type: single nucleotide variant.
Coding change: c.4619A>G on transcript NM_013275.6 (MANE Select); coding-DNA position 4619, A replaced by G.
Protein change: p.Lys1540Arg; replaces lysine 1540 with arginine.
Molecular consequence: missense variant.
Genome position (GRCh38, 1-based): chr16:89,281,923, T>C on the plus strand (A>G on the coding strand, the complement: ANKRD11 is on the minus strand). VCF-style: chr16-89281923-T-C. GRCh37 (hg19) VCF-style: chr16-89348331-T-C.
Other names: c.4619A>G (NM_013275.4); c.4619A>G, p.Lys1540Arg (NM_001256182.2, NM_001256183.2); short protein forms K1540R.
Identifiers: ClinVar variation 771621 (VCV000771621.19), dbSNP rs145415643, ClinGen allele CA8242071.
Genomic context (GRCh38, chr16:89,281,923, plus strand): 5'-TCTTTGGATGGCGCTACCTTATCATTCCCGTTGCTCATCTTCACTGGGTCGCCCTTTTCT[T>C]TCTCTGCACCGTCCTTGAATTTCTCCTTCAGTTTGGCATCGCCGAGCCTCGGGCCCTCGT-3'
Protein context (NP_037407.4, residues 1530-1550): LKEKFKDGAE[Lys1540Arg]EKGDPVKMSN

ClinVar aggregate classification (germline): Benign/Likely benign. Review status: criteria provided, multiple submitters, no conflicts (2 of 4 stars). 8 submissions from 8 submitters: Benign (4); Likely benign (3). 1 of the submissions does not count toward it. Last evaluated 2026-04-14.

Conditions:
Inborn genetic diseases. Identifiers: MedGen C0950123, MeSH D030342.
ANKRD11-related disorder. Also called: ANKRD11-related condition.
KBG syndrome (KBGS). Also called: ANKRD11-Related KBG Syndrome. Identifiers: Orphanet 2332, MedGen C0220687, MONDO:0007846, OMIM 148050.

Allele frequency attached by ClinVar (database versions not stated): ExAC 0.00033; 1000 Genomes Project 0.00060; 1000 Genomes Project 30x 0.00062; TOPMed 0.00076; gnomAD 0.00086 and 0.00096; ESP Exome Variant Server 0.00100.
gnomAD v4.1: 283 of 1,613,320 alleles (0.018%); highest among the groups gnomAD compares: African/African-American, 0.34%; no homozygotes.

Submissions (8):

Women's Health and Genetics/Laboratory Corporation of America, LabCorp
Classification: Likely benign. Last evaluated: 2026-04-14. Review status: criteria provided, single submitter. Criteria: LabCorp Variant Classification Summary - May 2015. Collection method: clinical testing. Allele origin: germline.

Labcorp Genetics (formerly Invitae), Labcorp
Classification: Benign for KBG syndrome. Last evaluated: 2026-01-15. Review status: criteria provided, single submitter. Criteria: Invitae Variant Classification Sherloc (09022015). Collection method: clinical testing. Allele origin: germline.

Blueprint Genetics
Classification: Likely benign. Last evaluated: 2024-08-20. Review status: criteria provided, single submitter. Criteria: ACMG Guidelines, 2015. Collection method: clinical testing. Allele origin: germline.

Ambry Genetics
Classification: Likely benign for Inborn genetic diseases. Last evaluated: 2022-04-13. Review status: criteria provided, single submitter. Criteria: Ambry Variant Classification Scheme 2023. Collection method: clinical testing. Allele origin: germline.

Genome-Nilou Lab
Classification: Benign for KBG syndrome. Last evaluated: 2021-12-05. Review status: criteria provided, single submitter. Criteria: ACMG Guidelines, 2015. Collection method: clinical testing. Allele origin: germline. Affected: no.

GeneDx
Classification: Benign. Last evaluated: 2020-10-02. Review status: criteria provided, single submitter. Criteria: GeneDx Variant Classification Process June 2021. Collection method: clinical testing. Allele origin: germline. Affected: yes.

Breakthrough Genomics
Classification: Benign. Review status: criteria provided, single submitter. Criteria: ACMG Guidelines, 2015. Collection method: not provided. Allele origin: germline. Inheritance: Autosomal dominant inheritance. Affected: yes.

PreventionGenetics, part of Exact Sciences
Classification: Likely benign for ANKRD11-related condition. Last evaluated: 2019-08-09. Review status: no assertion criteria provided. Collection method: clinical testing. Allele origin: germline. Not counted in ClinVar's aggregate classification.
Comment: This variant is classified as likely benign based on ACMG/AMP sequence variant interpretation guidelines (Richards et al. 2015 PMID: 25741868, with internal and published modifications).